The following is an entry in ClinVar:

NM_201631.4(TGM5):c.282C>G (p.Thr94=)

Gene: TGM5 (transglutaminase 5; minus strand). Cytogenetic location: 15q15.2.
Variant type: single nucleotide variant.
Coding change: c.282C>G on transcript NM_201631.4 (MANE Select); coding-DNA position 282, C replaced by G.
Protein change: p.Thr94=; no amino-acid change (threonine 94 retained).
Molecular consequence: synonymous variant. On other transcripts: intron variant (1).
Genome position (GRCh38, 1-based): chr15:43,260,206, G>C on the plus strand (C>G on the coding strand, the complement: TGM5 is on the minus strand). VCF-style: chr15-43260206-G-C. GRCh37 (hg19) VCF-style: chr15-43552404-G-C.
Other names: c.190+194C>G (NM_004245.4).
Identifiers: ClinVar variation 316062 (VCV000316062.11), dbSNP rs144607106, ClinGen allele CA7521394.

ClinVar aggregate classification (germline): Benign/Likely benign. Review status: criteria provided, multiple submitters, no conflicts (2 of 4 stars). 3 submissions from 3 submitters: Benign (1); Likely benign (1). 1 of the submissions does not count toward it. Last evaluated 2019-12-31.

Conditions:
Acral peeling skin syndrome. Also called: Peeling skin syndrome 2. Identifiers: Orphanet 263534, MedGen C1853354, MONDO:0012345, OMIM 609796.
TGM5-related disorder. Also called: TGM5-related condition.

Allele frequency attached by ClinVar (database versions not stated): 1000 Genomes Project 0.00140; 1000 Genomes Project 30x 0.00156; ExAC 0.00248; gnomAD exomes 0.00273; gnomAD 0.00324 and 0.00339; TOPMed 0.00341; ESP Exome Variant Server 0.00392.
gnomAD v4.1: 7,972 of 1,614,006 alleles (0.49%); highest among the groups gnomAD compares: Non-Finnish European, 0.64%; 24 homozygotes.

Submissions (3):

Labcorp Genetics (formerly Invitae), Labcorp
Classification: Benign. Last evaluated: 2019-12-31. Review status: criteria provided, single submitter. Criteria: Invitae Variant Classification Sherloc (09022015). Collection method: clinical testing. Allele origin: germline.

Illumina Laboratory Services, Illumina
Classification: Likely benign for Acral peeling skin syndrome. Last evaluated: 2018-01-13. Review status: criteria provided, single submitter. Criteria: ICSL Variant Classification Criteria 13 December 2019. Collection method: clinical testing. Allele origin: germline.
Comment: This variant was observed in the ICSL laboratory as part of a predisposition screen in an ostensibly healthy population. It had not been previously curated by ICSL or reported in the Human Gene Mutation Database (HGMD: prior to June 1st, 2018), and was therefore a candidate for classification through an automated scoring system. Utilizing variant allele frequency, disease prevalence and penetrance estimates, and inheritance mode, an automated score was calculated to assess if this variant is too frequent to cause the disease. Based on the score and internal cut-off values, a variant classified as likely benign is not then subjected to further curation. The score for this variant resulted in a classification of likely benign for this disease.

PreventionGenetics, part of Exact Sciences
Classification: Likely benign for TGM5-related condition. Last evaluated: 2019-05-10. Review status: no assertion criteria provided. Collection method: clinical testing. Allele origin: germline. Not counted in ClinVar's aggregate classification.
Comment: This variant is classified as likely benign based on ACMG/AMP sequence variant interpretation guidelines (Richards et al. 2015 PMID: 25741868, with internal and published modifications).